The following is an entry in ClinVar:

ClinVar aggregate classification (germline): Likely benign. Review status: criteria provided, multiple submitters, no conflicts (2 of 4 stars). 2 submissions from 2 submitters: Likely benign (2). Last evaluated 2026-09-21.

Conditions:
VIPAS39-related disorder. Also called: VIPAS39-related condition.

Submissions (2):

PreventionGenetics, part of Exact Sciences
Classification: Likely benign for VIPAS39-related condition. Last evaluated: 2026-09-21. Review status: criteria provided, single submitter. Criteria: ACMG Guidelines, 2015. Collection method: clinical testing. Allele origin: germline.
Comment: This variant is classified as likely benign based on ACMG/AMP sequence variant interpretation guidelines (Richards et al. 2015 PMID: 25741868, with internal and published modifications).

Labcorp Genetics (formerly Invitae), Labcorp
Classification: Likely benign. Last evaluated: 2024-12-04. Review status: criteria provided, single submitter. Criteria: Invitae Variant Classification Sherloc (09022015). Collection method: clinical testing. Allele origin: germline.

NM_001193315.2(VIPAS39):c.1462-7dup

Gene: VIPAS39 (VPS33B interacting protein, apical-basolateral polarity regulator, spe-39 homolog; minus strand). Cytogenetic location: 14q24.3.
Variant type: Duplication.
Coding change: c.1462-7dup on transcript NM_001193315.2 (MANE Select); 7 bases into the intron before coding-DNA position 1462, one base duplicated (T; older notation c.1462-7dupT).
Molecular consequence: intron variant.
Genome position (GRCh38, 1-based): chr14:77,427,643, A duplicated on the plus strand (T on the coding strand, the reverse complement: VIPAS39 is on the minus strand); the first of 3 consecutive A bases (chr14:77,427,643-77,427,645); duplicating any one gives the same sequence. VCF-style (leftmost placement, unchanged base first): chr14-77427642-G-GA. GRCh37 (hg19) VCF-style: chr14-77893985-G-GA.
Other names: c.1462-7dupT (NM_022067.3); c.1222-7dup (NM_001400337.1); c.1315-7dup (NM_001193316.2, NM_001400324.1, NM_001400325.1); c.1369-7dup (NM_001400333.1, NM_001400334.1); c.1429-7dup (NM_001400327.1); c.1183-7dup (NM_001400338.1); c.1177-7dup (NM_001400339.1); c.1327-7dup (NM_001400336.1); and 3 more.
Identifiers: ClinVar variation 1961856 (VCV001961856.6), dbSNP rs1469797839, ClinGen allele CA708742358.